The following is an entry in ClinVar:

NM_001267550.2(TTN):c.82022G>A (p.Arg27341Gln)

Genes: TTN (titin; minus strand), TTN-AS1 (TTN antisense RNA 1; plus strand). Cytogenetic location: 2q31.2.
Variant type: single nucleotide variant.
Coding change: c.82022G>A on transcript NM_001267550.2 (MANE Select); coding-DNA position 82022, G replaced by A.
Protein change: p.Arg27341Gln; replaces arginine 27341 with glutamine.
Molecular consequence: missense variant.
Genome position (GRCh38, 1-based): chr2:178,564,110, C>T on the plus strand (G>A on the coding strand, the complement: TTN is on the minus strand). VCF-style: chr2-178564110-C-T. GRCh37 (hg19) VCF-style: chr2-179428837-C-T.
Other names: c.77099G>A, p.Arg25700Gln (NM_001256850.1); c.54827G>A, p.Arg18276Gln (NM_003319.4); c.74318G>A, p.Arg24773Gln (NM_133378.4); c.55202G>A, p.Arg18401Gln (NM_133432.3); c.55403G>A, p.Arg18468Gln (NM_133437.4); short protein forms R24773Q, R27341Q, R18276Q, R18401Q, R18468Q, R25700Q.
Identifiers: ClinVar variation 437104 (VCV000437104.7), dbSNP rs555414240, ClinGen allele CA1989125.
Genomic context (GRCh38, chr2:178,564,110, plus strand): 5'-GGTATAGACTTTGTACCACCAACATTGCTGAGTTTCAGAATATATTGTCCTCCATCAGTC[C>T]GTATACAGTCTTTGACAACAAGAGTTGTTTTCTGAATAGTAGATTTAATTTCCATTCTAG-3'
Protein context (NP_001254479.2, residues 27331-27351): KTTLVVKDCI[Arg27341Gln]TDGGQYILKL

ClinVar aggregate classification (germline): Uncertain significance. Review status: criteria provided, multiple submitters, no conflicts (2 of 4 stars). 2 submissions from 2 submitters: Uncertain significance (2). Last evaluated 2018-01-10.

Conditions:
Dilated cardiomyopathy 1G (CMD1G). Identifiers: Orphanet 154, MedGen C1858763, MONDO:0011400, OMIM 604145.
Autosomal recessive limb-girdle muscular dystrophy type 2J (LGMDR10). Also called: Limb-girdle muscular dystrophy, type 2J; MUSCULAR DYSTROPHY, LIMB-GIRDLE, AUTOSOMAL RECESSIVE 10. Identifiers: Orphanet 140922, MedGen C1837342, MONDO:0012127, OMIM 608807.

Allele frequency attached by ClinVar (database versions not stated): gnomAD 0.00002 and 0.00003; gnomAD exomes 0.00002 and 0.00003; ExAC 0.00003; TOPMed 0.00003; 1000 Genomes Project 30x 0.00016; 1000 Genomes Project 0.00020.
gnomAD v4.1: 39 of 1,613,676 alleles (0.0024%); highest among the groups gnomAD compares: Middle Eastern, 0.017%; no homozygotes.

Submissions (2):

Labcorp Genetics (formerly Invitae), Labcorp
Classification: Uncertain significance for Dilated cardiomyopathy 1G; Autosomal recessive limb-girdle muscular dystrophy type 2J. Last evaluated: 2018-01-10. Review status: criteria provided, single submitter. Criteria: Invitae Variant Classification Sherloc (09022015). Collection method: clinical testing. Allele origin: germline.
Comment: This sequence change replaces arginine with glutamine at codon 27341 of the TTN protein (p.Arg27341Gln). This variant is present in population databases (rs555414240, ExAC 0.01%). This variant has not been reported in the literature in individuals with TTN-related disease. ClinVar contains an entry for this variant (Variation ID: 437104). This variant identified in the TTN gene is located in the A band of the resulting protein (PMID: 25589632). It is unclear how this variant impacts the function of this protein. Algorithms developed to predict the effect of missense changes on protein structure and function are unavailable for the TTN gene. In summary, the available evidence is currently insufficient to determine the role of this variant in disease. Therefore, it has been classified as a Variant of Uncertain Significance.

Genetic Services Laboratory, University of Chicago
Classification: Uncertain significance. Last evaluated: 2015-11-13. Review status: criteria provided, single submitter. Criteria: ACMG Guidelines, 2015. Collection method: clinical testing. Allele origin: germline. Affected: no.

Literature cited by the submitters: PubMed 25589632 (cited by Labcorp Genetics (formerly Invitae), Labcorp).